The following is an entry in ClinVar:

ClinVar aggregate classification (germline): Uncertain significance. Review status: criteria provided, multiple submitters, no conflicts (2 of 4 stars). 4 submissions from 4 submitters: Uncertain significance (4). Last evaluated 2025-06-12.

Conditions:
Inborn genetic diseases. Identifiers: MedGen C0950123, MeSH D030342.
Dyskeratosis congenita, autosomal recessive 5 (DKCB5). Identifiers: MedGen C3554656, MONDO:0014076, OMIM 615190.
Pulmonary fibrosis and/or bone marrow failure, Telomere-related, 3. Also called: PULMONARY FIBROSIS AND/OR BONE MARROW FAILURE SYNDROME, TELOMERE-RELATED, 3. Identifiers: Orphanet 2032, MedGen C4225346, MONDO:0014613, OMIM 616373.

Allele frequency attached by ClinVar (database versions not stated): gnomAD 0.00001; TOPMed 0.00002; ExAC 0.00003; gnomAD exomes 0.00003.
gnomAD v4.1: 18 of 1,612,454 alleles (0.0011%); highest among the groups gnomAD compares: East Asian, 0.011%; no homozygotes.

Submissions (4):

Ambry Genetics
Classification: Uncertain significance for Inborn genetic diseases. Last evaluated: 2025-06-12. Review status: criteria provided, single submitter. Criteria: Ambry Variant Classification Scheme 2023. Collection method: clinical testing. Allele origin: germline.

GeneDx
Classification: Uncertain significance. Last evaluated: 2025-05-25. Review status: criteria provided, single submitter. Criteria: GeneDx Variant Classification Process June 2021. Collection method: clinical testing. Allele origin: germline. Affected: yes.
Comment: In silico analysis suggests that this missense variant does not alter protein structure/function; Has not been previously published as pathogenic or benign to our knowledge

Labcorp Genetics (formerly Invitae), Labcorp
Classification: Uncertain significance for Dyskeratosis congenita, autosomal recessive 5; Pulmonary fibrosis and/or bone marrow failure, Telomere-related, 3. Last evaluated: 2024-12-17. Review status: criteria provided, single submitter. Criteria: Invitae Variant Classification Sherloc (09022015). Collection method: clinical testing. Allele origin: germline.
Comment: This sequence change replaces alanine, which is neutral and non-polar, with threonine, which is neutral and polar, at codon 1101 of the RTEL1 protein (p.Ala1101Thr). This variant is present in population databases (rs746445840, gnomAD 0.03%). This variant has not been reported in the literature in individuals affected with RTEL1-related conditions. ClinVar contains an entry for this variant (Variation ID: 1413891). An algorithm developed to predict the effect of missense changes on protein structure and function (PolyPhen-2) suggests that this variant is likely to be disruptive. In summary, the available evidence is currently insufficient to determine the role of this variant in disease. Therefore, it has been classified as a Variant of Uncertain Significance.

Blueprint Genetics
Classification: Uncertain significance. Last evaluated: 2022-11-24. Review status: criteria provided, single submitter. Criteria: ACMG Guidelines, 2015. Collection method: clinical testing. Allele origin: germline.

NM_001283009.2(RTEL1):c.3301G>A (p.Ala1101Thr)

Genes: RTEL1 (regulator of telomere elongation helicase 1; plus strand), RTEL1-TNFRSF6B (RTEL1-TNFRSF6B readthrough (NMD candidate); plus strand). Cytogenetic location: 20q13.33.
Variant type: single nucleotide variant.
Coding change: c.3301G>A on transcript NM_001283009.2 (MANE Select); coding-DNA position 3301, G replaced by A.
Protein change: p.Ala1101Thr; replaces alanine 1101 with threonine.
Molecular consequence: missense variant. On other transcripts: non-coding transcript variant (1).
Genome position (GRCh38, 1-based): chr20:63,694,932, G>A. VCF-style: chr20-63694932-G-A. GRCh37 (hg19) VCF-style: chr20-62326285-G-A.
Other names: c.3373G>A (NM_032957.4); c.2632G>A, p.Ala878Thr (NM_001283010.1); c.3301G>A, p.Ala1101Thr (NM_016434.4); c.3373G>A, p.Ala1125Thr (NM_032957.5); short protein forms A878T, A1125T, A1101T.
Identifiers: ClinVar variation 1413891 (VCV001413891.10), dbSNP rs746445840, ClinGen allele CA9965943.
Genomic context (GRCh38, chr20:63,694,932, plus strand): 5'-GCAGCGCTGACAGCCTATAAGCAAGACGACGACCTCGACAAGGTGCTGGCTGTGTTGGCC[G>A]CCCTGACCACTGCAAAGCCAGAGGACTTCCCCCTGCTGCACAGCAAGTGGCCCTGGCGTG-3'
Protein context (NP_001269938.1, residues 1091-1111): DLDKVLAVLA[Ala1101Thr]LTTAKPEDFP